The following is an entry in ClinVar:

NM_013447.4(ADGRE2):c.1062C>A (p.Asn354Lys)

Gene: ADGRE2 (adhesion G protein-coupled receptor E2; minus strand). Cytogenetic location: 19p13.12.
Variant type: single nucleotide variant.
Coding change: c.1062C>A on transcript NM_013447.4 (MANE Select); coding-DNA position 1062, C replaced by A.
Protein change: p.Asn354Lys; replaces asparagine 354 with lysine.
Molecular consequence: missense variant.
Genome position (GRCh38, 1-based): chr19:14,764,455, G>T on the plus strand (C>A on the coding strand, the complement: ADGRE2 is on the minus strand). VCF-style: chr19-14764455-G-T. GRCh37 (hg19) VCF-style: chr19-14875267-G-T.
Other names: c.1062C>A, p.Asn354Lys (NM_001271052.1); c.915C>A, p.Asn305Lys (NM_152916.2); c.783C>A, p.Asn261Lys (NM_152917.2); short protein forms N354K, N305K, N261K.
Identifiers: ClinVar variation 2962141 (VCV002962141.3), dbSNP rs200502097, ClinGen allele CA305713518.

ClinVar aggregate classification (germline): Uncertain significance (1 of 4 stars; one submission).

Allele frequency attached by ClinVar (database versions not stated): 1000 Genomes Project 30x 0.00016; 1000 Genomes Project 0.00020.
gnomAD v4.1: 4 of 1,613,148 alleles (0.00025%); highest among the groups gnomAD compares: Middle Eastern, 0.016%; no homozygotes.

Submission:

Labcorp Genetics (formerly Invitae), Labcorp
Classification: Uncertain significance. Last evaluated: 2025-06-17. Review status: criteria provided, single submitter. Criteria: Invitae Variant Classification Sherloc (09022015). Collection method: clinical testing. Allele origin: germline.
Comment: This sequence change replaces asparagine, which is neutral and polar, with lysine, which is basic and polar, at codon 354 of the ADGRE2 protein (p.Asn354Lys). This variant is present in population databases (rs200502097, gnomAD 0.007%). This variant has not been reported in the literature in individuals affected with ADGRE2-related conditions. ClinVar contains an entry for this variant (Variation ID: 2962141). An algorithm developed to predict the effect of missense changes on protein structure and function (PolyPhen-2) suggests that this variant is likely to be tolerated. In summary, the available evidence is currently insufficient to determine the role of this variant in disease. Therefore, it has been classified as a Variant of Uncertain Significance.